The following is an entry in ClinVar:

ClinVar aggregate classification (germline): Conflicting classifications of pathogenicity. Review status: criteria provided, conflicting classifications (1 of 4 stars). 5 submissions from 5 submitters: Pathogenic (1); Uncertain significance (3). 1 of the submissions does not count toward it. Last evaluated 2026-05-27.

Conditions:
von Willebrand disorder (VWD). Also called: Von Willebrand disease (hereditary or acquired); von Willebrand Diseases; von Willebrand's disease. Identifiers: MedGen C0042974, MeSH D014842, MONDO:0024574.
VWF-related disorder. Also called: VWF-related disorders; VWF-related condition.

Allele frequency attached by ClinVar (database versions not stated): TOPMed below 0.00001.

Submissions (5):

Women's Health and Genetics/Laboratory Corporation of America, LabCorp
Classification: Pathogenic for von Willebrand disorder. Last evaluated: 2026-05-27. Review status: criteria provided, single submitter. Criteria: LabCorp Variant Classification Summary - May 2015. Collection method: clinical testing. Allele origin: germline.
Comment: Variant summary: VWF c.4094T>C (p.Leu1365Pro) results in a non-conservative amino acid change in the encoded protein sequence. Algorithms developed to predict the effect of missense changes on protein structure and function are either unavailable or do not agree on the potential impact of this missense change. The variant was absent in 251040 control chromosomes (gnomAD). c.4094T>C has been observed in multiple individuals affected with Von Willebrand Disease in both the heterozygous state and homozygous state (e.g. Flood_2013, Preisler_2021, Djambas_2025, Yadegari_2026). These data indicate that the variant is very likely to be associated with disease. The following publications have been ascertained in the context of this evaluation (PMID: 23340442, 33477601, 40673043, 40393667). ClinVar contains an entry for this variant (Variation ID: 2438545). Based on the evidence outlined above, the variant was classified as pathogenic.

Quest Diagnostics Nichols Institute San Juan Capistrano
Classification: Uncertain significance. Last evaluated: 2025-09-12. Review status: criteria provided, single submitter. Criteria: Quest Diagnostics criteria. Collection method: clinical testing. Allele origin: unknown.
Comment: The VWF c.4094T>C (p.Leu1365Pro) variant has been reported in the published literature in individuals affected with Type 1 von Willebrand disease (vWD) (PMID: 23340442 (2013)), Type 2M vWD (PMID: 29427305 (2018)), and familial multiple coagulation factor deficiencies (FMCFD) (PMID: 33477601 (2021)). Biochemical data show a shift from high to low molecular weight multimers (PMID: 23340442 (2013)), impaired platelet function by PFA-100, and decreased or absent ristocetin-induced platelet aggregation (RIPA) (PMID: 29427305 (2018)). This variant has not been reported in large, multi-ethnic general populations (Genome Aggregation Database). Based on the available information, we are unable to determine the clinical significance of this variant.

Blueprint Genetics
Classification: Uncertain significance. Last evaluated: 2021-03-04. Review status: criteria provided, single submitter. Criteria: ACMG Guidelines, 2015. Collection method: clinical testing. Allele origin: germline.

Revvity Omics, Revvity
Classification: Uncertain significance. Last evaluated: 2019-07-09. Review status: criteria provided, single submitter. Criteria: ACMG Guidelines, 2015. Collection method: clinical testing. Allele origin: germline.

PreventionGenetics, part of Exact Sciences
Classification: Likely pathogenic for VWF-related condition. Last evaluated: 2024-08-28. Review status: no assertion criteria provided. Collection method: clinical testing. Allele origin: germline. Not counted in ClinVar's aggregate classification.
Comment: The VWF c.4094T>C variant is predicted to result in the amino acid substitution p.Leu1365Pro. This variant has been reported in an individual with von Willebrand disease type 1 (Flood et al. 2013. PubMed ID: 23340442) and in an individual with familial multiple coagulation factor deficiencies (Preisler et al. 2021. PubMed ID: 33477601). This variant has not been reported in a large population database, indicating this variant is rare. Additionally, a different missense change impacting the same amino acid (c.4094T>G, p.Leu1365Arg) has been reported in an individual with von Willebrand disease 2m (Veyradier et al. 2016. PubMed ID: 26986123). Taken together, the c.4094T>C (p.Leu1365Pro) variant is interpreted as likely pathogenic

Literature cited by the submitters: PubMed 23340442 (cited by Women's Health and Genetics/Laboratory Corporation of America, LabCorp and Quest Diagnostics Nichols Institute San Juan Capistrano); PubMed 33477601 (cited by Women's Health and Genetics/Laboratory Corporation of America, LabCorp and Quest Diagnostics Nichols Institute San Juan Capistrano); PubMed 40673043 (cited by Women's Health and Genetics/Laboratory Corporation of America, LabCorp); PubMed 40393667 (cited by Women's Health and Genetics/Laboratory Corporation of America, LabCorp); PubMed 29427305 (cited by Quest Diagnostics Nichols Institute San Juan Capistrano).

NM_000552.5(VWF):c.4094T>C (p.Leu1365Pro)

Gene: VWF (von Willebrand factor; minus strand). Cytogenetic location: 12p13.31.
Variant type: single nucleotide variant.
Coding change: c.4094T>C on transcript NM_000552.5 (MANE Select); coding-DNA position 4094, T replaced by C.
Protein change: p.Leu1365Pro; replaces leucine 1365 with proline.
Molecular consequence: missense variant.
Genome position (GRCh38, 1-based): chr12:6,019,324, A>G on the plus strand (T>C on the coding strand, the complement: VWF is on the minus strand). VCF-style: chr12-6019324-A-G. GRCh37 (hg19) VCF-style: chr12-6128490-A-G.
Other names: c.4094T>C (NM_000552.4); short protein forms L1365P.
Identifiers: ClinVar variation 2438545 (VCV002438545.8), dbSNP rs745569482, ClinGen allele CA383505339.
Genomic context (GRCh38, chr12:6,019,324, plus strand): 5'-ATCAGGAGCAGGGTGATGCGGGAGGCTTCAGGGCGGTCGATCTTGCTGAAGATTTGGAAC[A>G]GTGTGTATTTCAAGACCTCGCTGGTGGAGGCCACCTGGCTGCCCGCATACTTCACCTGGC-3'
Protein context (NP_000543.3, residues 1355-1375): ASTSEVLKYT[Leu1365Pro]FQIFSKIDRP